The following is an entry in ClinVar:

NM_015450.3(POT1):c.1687-11A>G

Gene: POT1 (protection of telomeres 1; minus strand). Cytogenetic location: 7q31.33.
Variant type: single nucleotide variant.
Coding change: c.1687-11A>G on transcript NM_015450.3 (MANE Select); 11 bases into the intron before coding-DNA position 1687, A replaced by G.
Molecular consequence: intron variant.
Genome position (GRCh38, 1-based): chr7:124,825,368, T>C on the plus strand (A>G on the coding strand, the complement: POT1 is on the minus strand). VCF-style: chr7-124825368-T-C. GRCh37 (hg19) VCF-style: chr7-124465422-T-C.
Other names: c.1294-11A>G (NM_001042594.2).
Identifiers: ClinVar variation 4725726 (VCV004725726.1).

ClinVar aggregate classification (germline): Uncertain significance (1 of 4 stars; one submission).

Conditions:
Tumor predisposition syndrome 3 (TPDS3). Also called: Melanoma, cutaneous malignant, susceptibility to, 10; Glioma susceptibility 9; LONG TELOMERE SYNDROME, POT1-RELATED; POT1 Tumor Predisposition. Identifiers: Orphanet 618, MedGen C4014476, MONDO:0014368, OMIM 615848.

Submission:

Labcorp Genetics (formerly Invitae), Labcorp
Classification: Uncertain significance for Tumor predisposition syndrome 3. Last evaluated: 2025-08-20. Review status: criteria provided, single submitter. Criteria: Invitae Variant Classification Sherloc (09022015). Collection method: clinical testing. Allele origin: germline.
Comment: This sequence change falls in intron 17 of the POT1 gene. It does not directly change the encoded amino acid sequence of the POT1 protein. This variant is not present in population databases (gnomAD no frequency). This variant has not been reported in the literature in individuals affected with POT1-related conditions. Studies have shown that this variant is associated with inconclusive levels of altered splicing (internal data). In summary, the available evidence is currently insufficient to determine the role of this variant in disease. Therefore, it has been classified as a Variant of Uncertain Significance.